The following is an entry in ClinVar:

ClinVar aggregate classification (germline): Likely benign (1 of 4 stars; one submission).

Allele frequency attached by ClinVar (database versions not stated): TOPMed 0.00009; gnomAD 0.00010; 1000 Genomes Project 0.00080; 1000 Genomes Project 30x 0.00094.
gnomAD v4.1: 16 of 152,200 alleles (0.011%); highest among the groups gnomAD compares: South Asian, 0.15%; no homozygotes.

Submission:

CeGaT Center for Human Genetics Tuebingen
Classification: Likely benign. Last evaluated: 2026-03-01. Review status: criteria provided, single submitter. Criteria: CeGaT Center For Human Genetics Tuebingen Variant Classification Criteria Version 2. Collection method: clinical testing. Allele origin: germline. Affected: yes. Observed: 4 variant alleles.
Comment: BRAF: BS1

NM_004333.6(BRAF):c.1141-370C>T

Gene: BRAF (B-Raf proto-oncogene, serine/threonine kinase; minus strand). Cytogenetic location: 7q34.
Variant type: single nucleotide variant.
Coding change: c.1141-370C>T on transcript NM_004333.6 (MANE Select); 370 bases into the intron before coding-DNA position 1141, C replaced by T.
Molecular consequence: intron variant.
Genome position (GRCh38, 1-based): chr7:140,787,954, G>A on the plus strand (C>T on the coding strand, the complement: BRAF is on the minus strand). VCF-style: chr7-140787954-G-A. GRCh37 (hg19) VCF-style: chr7-140487754-G-A.
Other names: c.1141-370C>T (NM_001378474.1, NM_001378468.1, NM_001354609.2 and 3 more transcripts); c.1039-370C>T (NM_001378470.1); c.877-370C>T (NM_001378475.1); c.1141-4871C>T (NM_001378471.1); c.1150-370C>T (NM_001378467.1); c.985-370C>T (NM_001378472.1, NM_001378473.1).
Identifiers: ClinVar variation 2658043 (VCV002658043.24), dbSNP rs560088379, ClinGen allele CA168095378.
Genomic context (GRCh38, chr7:140,787,954, plus strand): 5'-AAATACTGTGTTTTCTCACTTATAAGTGGGAGCTGAATGATAAGAACAAGTGGACACATG[G>A]GGGAAACAACACATACTGGGGCCTGTTGGAGGGTGGATGGTAAAAGGAGGAAGAGCAACA-3'